The following is an entry in ClinVar:

NM_001129.5(AEBP1):c.3269_3292dup (p.Val1097_Glu1098insValThrGluPheGlyThrGluVal)

Gene: AEBP1 (AE binding protein 1; plus strand). Cytogenetic location: 7p13.
Variant type: Duplication.
Coding change: c.3269_3292dup on transcript NM_001129.5 (MANE Select); coding-DNA positions 3269 to 3292, 24 bases duplicated (TGACAGAGTTTGGGACCGAGGTGG).
Protein change: p.Val1097_Glu1098insValThrGluPheGlyThrGluVal.
Molecular consequence: inframe insertion.
Genome position (GRCh38, 1-based): chr7:44,114,053-44,114,076, TGACAGAGTTTGGGACCGAGGTGG duplicated; duplicating any 24 consecutive bases within chr7:44,114,046-44,114,076 gives the same sequence; the c. name uses the placement nearest the transcript's 3' end. VCF-style (leftmost placement, unchanged base first): chr7-44114045-A-AGAGGTGGTGACAGAGTTTGGGACC. GRCh37 (hg19) VCF-style: chr7-44153644-A-AGAGGTGGTGACAGAGTTTGGGACC.
Other names: c.3269_3292dup24 (NM_001129.5).
Identifiers: ClinVar variation 2164058 (VCV002164058.2), dbSNP rs779995818, ClinGen allele CA4238446.

ClinVar aggregate classification (germline): Conflicting classifications of pathogenicity. Review status: criteria provided, conflicting classifications (1 of 4 stars). 2 submissions from 2 submitters: Uncertain significance (1); Likely benign (1). Last evaluated 2025-12-22.

Submissions (2):

Women's Health and Genetics/Laboratory Corporation of America, LabCorp
Classification: Likely benign. Last evaluated: 2025-12-22. Review status: criteria provided, single submitter. Criteria: LabCorp Variant Classification Summary - May 2015. Collection method: clinical testing. Allele origin: germline.
Comment: Variant summary: AEBP1 c.3269_3292dup24 (p.Val1090_Val1097dup) results in an in-frame duplication that is predicted to duplicate eight amino acids into the encoded protein. The variant allele was found at a frequency of 0.00011 in 251192 control chromosomes, predominantly at a frequency of 0.0017 within the African or African-American subpopulation in the gnomAD database. The observed variant frequency within African or African-American control individuals in the gnomAD database exceeds the estimated maximal expected allele frequency for disease-causing variants in AEBP1. To our knowledge, no occurrence of c.3269_3292dup24 in individuals affected with AEBP1-related conditions and no experimental evidence demonstrating its impact on protein function have been reported. ClinVar contains an entry for this variant (Variation ID: 2164058). Based on the evidence outlined above, the variant was classified as likely benign.

Labcorp Genetics (formerly Invitae), Labcorp
Classification: Uncertain significance. Last evaluated: 2021-12-17. Review status: criteria provided, single submitter. Criteria: Invitae Variant Classification Sherloc (09022015). Collection method: clinical testing. Allele origin: germline.
Comment: This variant, c.3269_3292dup, results in the insertion of 8 amino acid(s) of the AEBP1 protein (p.Val1090_Val1097dup), but otherwise preserves the integrity of the reading frame. This variant is present in population databases (rs779995818, gnomAD 0.2%). This variant has not been reported in the literature in individuals affected with AEBP1-related conditions. Experimental studies and prediction algorithms are not available or were not evaluated, and the functional significance of this variant is currently unknown. In summary, the available evidence is currently insufficient to determine the role of this variant in disease. Therefore, it has been classified as a Variant of Uncertain Significance.